The following is an entry in ClinVar:

ClinVar aggregate classification (germline): Uncertain significance (1 of 4 stars; one submission).

Conditions:
Cardiovascular phenotype. Identifiers: MedGen CN230736.

Submission:

Ambry Genetics
Classification: Uncertain significance for Cardiovascular phenotype. Last evaluated: 2026-07-06. Review status: criteria provided, single submitter. Criteria: Ambry Variant Classification Scheme 2023. Collection method: clinical testing. Allele origin: germline.
Comment: The p.C524F variant (also known as c.1571G>T), located in coding exon 12 of the DSP gene, results from a G to T substitution at nucleotide position 1571. The cysteine at codon 524 is replaced by phenylalanine, an amino acid with highly dissimilar properties. This amino acid position is conserved. In addition, this alteration is predicted to be tolerated by in silico analysis. Based on the available evidence, the clinical significance of this variant remains unclear.

NM_004415.4(DSP):c.1571G>T (p.Cys524Phe)

Gene: DSP (desmoplakin; plus strand). Cytogenetic location: 6p24.3.
Variant type: single nucleotide variant.
Coding change: c.1571G>T on transcript NM_004415.4 (MANE Select); coding-DNA position 1571, G replaced by T.
Protein change: p.Cys524Phe; replaces cysteine 524 with phenylalanine.
Molecular consequence: missense variant.
Genome position (GRCh38, 1-based): chr6:7,569,337, G>T. VCF-style: chr6-7569337-G-T. GRCh37 (hg19) VCF-style: chr6-7569570-G-T.
Other names: c.1571G>T, p.Cys524Phe (NM_001008844.3, NM_001319034.2); c.1571G>T (NM_004415.2); short protein forms C524F.
Identifiers: ClinVar variation 666380 (VCV000666380.1).